The following is an entry in ClinVar:

ClinVar aggregate classification (germline): Pathogenic. Review status: criteria provided, multiple submitters, no conflicts (2 of 4 stars). 2 submissions from 2 submitters: Pathogenic (2). Last evaluated 2023-05-11.

Conditions:
Familial adenomatous polyposis 1 (FAP1). Also called: FAMILIAL ADENOMATOUS POLYPOSIS 1, ATTENUATED; POLYPOSIS, ADENOMATOUS INTESTINAL. Identifiers: MedGen C2713442, MONDO:0021056, OMIM 175100. Disease mechanism: loss of function.
Hereditary cancer-predisposing syndrome. Also called: Neoplastic Syndromes, Hereditary; Tumor predisposition; Hereditary Cancer Syndrome; Hereditary neoplastic syndrome. Identifiers: Orphanet 140162, MedGen C0027672, MeSH D009386, MONDO:0015356.

Submissions (2):

Myriad Genetics, Inc.
Classification: Pathogenic for Familial adenomatous polyposis 1. Last evaluated: 2023-05-11. Review status: criteria provided, single submitter. Criteria: Myriad Autosomal Dominant, Autosomal Recessive and X-Linked Classification Criteria (2023). Collection method: clinical testing. Allele origin: unknown.
Comment: This variant is considered pathogenic. This variant creates a frameshift predicted to result in premature protein truncation.

Ambry Genetics
Classification: Pathogenic for Hereditary cancer-predisposing syndrome. Last evaluated: 2015-08-20. Review status: criteria provided, single submitter. Criteria: Ambry Variant Classification Scheme 2023. Collection method: clinical testing. Allele origin: germline.
Comment: The c.4706_4707delAT pathogenic mutation, located in coding exon 15 of the APC gene, results from a deletion of two nucleotides between nucleotide positions 4706 and 4707, causing a translational frameshift with a predicted alternate stop codon. Since frameshifts are typically deleterious in nature, this alteration is interpreted as a disease-causing mutation (ACMG Recommendations for Standards for Interpretation and Reporting of Sequence Variations. Revision 2007. Genet Med. 2008;10:294).

NM_000038.6(APC):c.4706_4707del (p.Asp1569fs)

Gene: APC (APC regulator of Wnt signaling pathway; plus strand). Cytogenetic location: 5q22.2.
Variant type: Deletion.
Coding change: c.4706_4707del on transcript NM_000038.6 (MANE Select); coding-DNA positions 4706 to 4707, 2 bases deleted (AT; older notation c.4706_4707delAT).
Protein change: p.Asp1569fs; shifts the reading frame from aspartic acid 1569.
Molecular consequence: frameshift variant.
Genome position (GRCh38, 1-based): chr5:112,840,300-112,840,301, AT deleted. VCF-style (leftmost placement, unchanged base first): chr5-112840299-GAT-G. GRCh37 (hg19) VCF-style: chr5-112175996-GAT-G.
Other names: c.4706_4707del, p.Asp1569fs (NM_001127510.3, NM_001354895.2); c.4652_4653del, p.Asp1551fs (NM_001127511.3); c.4760_4761del, p.Asp1587fs (NM_001354896.2); c.4736_4737del, p.Asp1579fs (NM_001354897.2); c.4631_4632del, p.Asp1544fs (NM_001354898.2); c.4622_4623del, p.Asp1541fs (NM_001354899.2); c.4583_4584del, p.Asp1528fs (NM_001354900.2); c.4529_4530del, p.Asp1510fs (NM_001354901.2); and 5 more; short protein forms D1541fs, D1544fs, D1551fs, D1286fs, D1528fs, D1478fs, D1579fs, D1409fs.
Identifiers: ClinVar variation 233514 (VCV000233514.6), dbSNP rs876660454, ClinGen allele CA10578380.